The following is an entry in ClinVar:

ClinVar aggregate classification (germline): Uncertain significance (1 of 4 stars; one submission).

Submission:

GeneDx
Classification: Uncertain significance. Last evaluated: 2025-05-21. Review status: criteria provided, single submitter. Criteria: GeneDx Variant Classification Process June 2021. Collection method: clinical testing. Allele origin: germline. Affected: yes.
Comment: Not observed at significant frequency in large population cohorts (gnomAD); In silico analysis suggests that this missense variant does not alter protein structure/function; Has not been previously published as pathogenic or benign to our knowledge; This variant is associated with the following publications: (PMID: 27839871)

NM_001134407.3(GRIN2A):c.1609G>A (p.Val537Ile)

Gene: GRIN2A (glutamate ionotropic receptor NMDA type subunit 2A; minus strand). Cytogenetic location: 16p13.2.
Variant type: single nucleotide variant.
Coding change: c.1609G>A on transcript NM_001134407.3 (MANE Select); coding-DNA position 1609, G replaced by A.
Protein change: p.Val537Ile; replaces valine 537 with isoleucine.
Molecular consequence: missense variant.
Genome position (GRCh38, 1-based): chr16:9,840,689, C>T on the plus strand (G>A on the coding strand, the complement: GRIN2A is on the minus strand). VCF-style: chr16-9840689-C-T. GRCh37 (hg19) VCF-style: chr16-9934546-C-T.
Other names: c.1609G>A, p.Val537Ile (NM_000833.5, NM_001134408.2); short protein forms V537I.
Identifiers: ClinVar variation 4530889 (VCV004530889.1).
Genomic context (GRCh38, chr16:9,840,689, plus strand): 5'-ACTATGAAATTCACACACCTAGAAAAGCAGAAGGTGAGACGGTGCCATTACTTCTTGAAA[C>T]CATGACACTGATTCCCGTTTCCACAAAGGGCACAGAGAAGTCCACCACTTCAGAACGTTC-3'
Protein context (NP_001127879.1, residues 527-547): PFVETGISVM[Val537Ile]SRSNGTVSPS